The following is an entry in ClinVar:

ClinVar aggregate classification (germline): Pathogenic. Review status: criteria provided, multiple submitters, no conflicts (2 of 4 stars). 3 submissions from 3 submitters: Pathogenic (3). Last evaluated 2024-08-27.

Conditions:
Fanconi anemia (FA). Also called: Fanconi's anemia. Identifiers: Orphanet 84, MedGen C0015625, MeSH D005199, MONDO:0019391.
Fanconi anemia complementation group A (FANCA). Also called: FANCA-Related Fanconi Anemia; Fanconi anemia, group A. Identifiers: Orphanet 84, MedGen C3469521, MONDO:0009215, OMIM 227650.

Submissions (3):

Natera, Inc.
Classification: Pathogenic for Fanconi anemia. Last evaluated: 2024-08-27. Review status: criteria provided, single submitter. Criteria: Natera Variant Classification Schema (03/2026). Collection method: clinical testing. Allele origin: germline.
Comment: The c.792+1G>A variant in FANCA is a canonical splice donor site variant predicted to affect pre-mRNA splicing, which may result in an abnormal transcript and altered protein product. This variant is expected to result in nonsense mediated decay, truncation, or a dysfunctional protein product. This variant is rare in the general population with a frequency below the threshold expected for the associated phenotype(s). This variant has been observed in one or more individuals affected with the associated recessive disease, as either homozygous or compound heterozygous with a second variant (PMID: 31586946). Functional studies show that this variant may disrupt protein function (PMID: 30031030). Given the available evidence, this variant is classified as Pathogenic.

Labcorp Genetics (formerly Invitae), Labcorp
Classification: Pathogenic for Fanconi anemia. Last evaluated: 2020-05-29. Review status: criteria provided, single submitter. Criteria: Invitae Variant Classification Sherloc (09022015). Collection method: clinical testing. Allele origin: germline.
Comment: For these reasons, this variant has been classified as Pathogenic. Donor and acceptor splice site variants typically lead to a loss of protein function (PMID: 16199547), and loss-of-function variants in FANCA are known to be pathogenic (PMID: 19367192). Experimental studies have shown that this variant disrupts mRNA splicing (PMID: 30031030). This variant has been observed in an individual with Fanconi anemia with the variant in trans (on the opposite chromosome) from a pathogenic variant (PMID: 30031030). This variant is not present in population databases (ExAC no frequency). This sequence change affects a donor splice site in intron 8 of the FANCA gene. It is expected to disrupt RNA splicing and likely results in an absent or disrupted protein product.

Juno Genomics, Hangzhou Juno Genomics, Inc
Classification: Pathogenic for Fanconi anemia complementation group A. Review status: criteria provided, single submitter. Criteria: ACMG Guidelines, 2015. Collection method: clinical testing. Allele origin: germline.
Comment: Absent from controls (or at extremely low frequency if recessive) in Genome Aggregation Database.;Null variant in a gene where loss of function (LOF) is a known mechanism of disease.;For recessive disorders, detected in trans with a pathogenic variant.

Literature cited by the submitters: PubMed 31586946 (cited by Natera, Inc.); PubMed 30031030 (cited by Natera, Inc. and Labcorp Genetics (formerly Invitae), Labcorp); PubMed 16199547 (cited by Labcorp Genetics (formerly Invitae), Labcorp); PubMed 19367192 (cited by Labcorp Genetics (formerly Invitae), Labcorp).

NM_000135.4(FANCA):c.792+1G>A

Gene: FANCA (FA complementation group A; minus strand). Cytogenetic location: 16q24.3.
Variant type: single nucleotide variant.
Coding change: c.792+1G>A on transcript NM_000135.4 (MANE Select); the canonical splice donor site of the intron after coding-DNA position 792, G replaced by A.
Molecular consequence: splice donor variant.
Genome position (GRCh38, 1-based): chr16:89,803,258, C>T on the plus strand (G>A on the coding strand, the complement: FANCA is on the minus strand). VCF-style: chr16-89803258-C-T. GRCh37 (hg19) VCF-style: chr16-89869666-C-T.
Other names: c.792+1G>A (NM_001286167.3, NM_001018112.3, NM_000135.3); c.696+1G>A (NM_001351830.2).
Identifiers: ClinVar variation 1074963 (VCV001074963.10), dbSNP rs2143615250, ClinGen allele CA397475816.